The following is an entry in ClinVar:

NM_000059.4(BRCA2):c.6443C>G (p.Ser2148Cys)

Gene: BRCA2 (BRCA2 DNA repair associated; plus strand). Cytogenetic location: 13q13.1.
Variant type: single nucleotide variant.
Coding change: c.6443C>G on transcript NM_000059.4 (MANE Select); coding-DNA position 6443, C replaced by G.
Protein change: p.Ser2148Cys; replaces serine 2148 with cysteine.
Molecular consequence: missense variant.
Genome position (GRCh38, 1-based): chr13:32,340,798, C>G. VCF-style: chr13-32340798-C-G. GRCh37 (hg19) VCF-style: chr13-32914935-C-G.
Other names: c.6443C>G, p.Ser2148Cys (NM_001406719.1, NM_001406720.1); short protein forms S2148C.
Identifiers: ClinVar variation 1753561 (VCV001753561.5), dbSNP rs80358880, ClinGen allele CA387789317.

ClinVar aggregate classification (germline): Conflicting classifications of pathogenicity. Review status: criteria provided, conflicting classifications (1 of 4 stars). 2 submissions from 2 submitters: Uncertain significance (1); Likely benign (1). Last evaluated 2025-01-09.

Conditions:
Hereditary cancer-predisposing syndrome. Also called: Neoplastic Syndromes, Hereditary; Tumor predisposition; Hereditary Cancer Syndrome; Hereditary neoplastic syndrome. Identifiers: Orphanet 140162, MedGen C0027672, MeSH D009386, MONDO:0015356.

Submissions (2):

Ambry Genetics
Classification: Uncertain significance for Hereditary cancer-predisposing syndrome. Last evaluated: 2025-01-09. Review status: criteria provided, single submitter. Criteria: Ambry Variant Classification Scheme 2023. Collection method: clinical testing. Allele origin: germline.
Comment: The p.S2148C variant (also known as c.6443C>G), located in coding exon 10 of the BRCA2 gene, results from a C to G substitution at nucleotide position 6443. The serine at codon 2148 is replaced by cysteine, an amino acid with dissimilar properties. This amino acid position is not well conserved in available vertebrate species. In addition, this alteration is predicted to be tolerated by in silico analysis. Based on the available evidence, the clinical significance of this variant remains unclear.

University of Washington Department of Laboratory Medicine, University of Washington
Classification: Likely benign for Hereditary cancer-predisposing syndrome. Last evaluated: 2023-03-23. Review status: criteria provided, single submitter. Criteria: Dines et al. (Genet Med. 2020). Collection method: curation. Allele origin: germline.
Comment: Missense variant in a coldspot region where missense variants are very unlikely to be pathogenic (PMID:31911673).

BRCA2 exon 11 coldspot. Reclassification based on statistical prior probability.